The following is an entry in ClinVar:

ClinVar aggregate classification (germline): Uncertain significance (1 of 4 stars; one submission).

Allele frequency attached by ClinVar (database versions not stated): gnomAD exomes 0.00001; ExAC 0.00002.
gnomAD v4.1: 10 of 1,587,930 alleles (0.00063%); highest among the groups gnomAD compares: South Asian, 0.0091%; no homozygotes.

Submission:

Labcorp Genetics (formerly Invitae), Labcorp
Classification: Uncertain significance. Last evaluated: 2021-05-14. Review status: criteria provided, single submitter. Criteria: Invitae Variant Classification Sherloc (09022015). Collection method: clinical testing. Allele origin: germline.
Comment: In summary, the available evidence is currently insufficient to determine the role of this variant in disease. Therefore, it has been classified as a Variant of Uncertain Significance. Algorithms developed to predict the effect of missense changes on protein structure and function output the following: SIFT: "Tolerated"; PolyPhen-2: "Benign"; Align-GVGD: "Class C0". The leucine amino acid residue is found in multiple mammalian species, suggesting that this missense change does not adversely affect protein function. These predictions have not been confirmed by published functional studies and their clinical significance is uncertain. This variant has not been reported in the literature in individuals with DEF6-related conditions. This variant is present in population databases (rs764630979, ExAC 0.01%). This sequence change replaces glutamine with leucine at codon 475 of the DEF6 protein (p.Gln475Leu). The glutamine residue is weakly conserved and there is a moderate physicochemical difference between glutamine and leucine.

NM_022047.4(DEF6):c.1424A>T (p.Gln475Leu)

Gene: DEF6 (DEF6 guanine nucleotide exchange factor; plus strand). Cytogenetic location: 6p21.31.
Variant type: single nucleotide variant.
Coding change: c.1424A>T on transcript NM_022047.4 (MANE Select); coding-DNA position 1424, A replaced by T.
Protein change: p.Gln475Leu; replaces glutamine 475 with leucine.
Molecular consequence: missense variant.
Genome position (GRCh38, 1-based): chr6:35,319,860, A>T. VCF-style: chr6-35319860-A-T. GRCh37 (hg19) VCF-style: chr6-35287637-A-T.
Other names: short protein forms Q475L.
Identifiers: ClinVar variation 1383074 (VCV001383074.6), dbSNP rs764630979, ClinGen allele CA3770934.